The following is an entry in ClinVar:

NM_000090.4(COL3A1):c.*622T>C

Gene: COL3A1 (collagen type III alpha 1 chain; plus strand). Cytogenetic location: 2q32.2.
Variant type: single nucleotide variant.
Coding change: c.*622T>C on transcript NM_000090.4 (MANE Select); 622 bases downstream of the stop codon, T replaced by C.
Molecular consequence: 3 prime UTR variant.
Genome position (GRCh38, 1-based): chr2:189,012,396, T>C. VCF-style: chr2-189012396-T-C. GRCh37 (hg19) VCF-style: chr2-189877122-T-C.
Identifiers: ClinVar variation 333085 (VCV000333085.6), dbSNP rs572369155, ClinGen allele CA10613472.

ClinVar aggregate classification (germline): Benign. Review status: criteria provided, multiple submitters, no conflicts (2 of 4 stars). 2 submissions from 2 submitters: Benign (2). Last evaluated 2018-01-13.

Conditions:
Ehlers-Danlos syndrome, type 4 (EDSVASC). Also called: Ehlers-Danlos Syndrome Type IV; Ehlers-Danlos syndrome vascular type; Ehlers Danlos syndrome, ecchymotic type; Ehlers Danlos syndrome, arterial type; Ehlers Danlos syndrome, Sack-Barabas type. Identifiers: Orphanet 286, MedGen C0268338, MONDO:0017314, OMIM 130050.

Allele frequency attached by ClinVar (database versions not stated): gnomAD 0.00024 and 0.00075; TOPMed 0.00036; 1000 Genomes Project 30x 0.00203; 1000 Genomes Project 0.00220.

Submissions (2):

Illumina Laboratory Services, Illumina
Classification: Benign for Ehlers-Danlos syndrome, type 4. Last evaluated: 2018-01-13. Review status: criteria provided, single submitter. Criteria: ICSL Variant Classification Criteria 13 December 2019. Collection method: clinical testing. Allele origin: germline.
Comment: This variant was observed in the ICSL laboratory as part of a predisposition screen in an ostensibly healthy population. It had not been previously curated by ICSL or reported in the Human Gene Mutation Database (HGMD: prior to June 1st, 2018), and was therefore a candidate for classification through an automated scoring system. Utilizing variant allele frequency, disease prevalence and penetrance estimates, and inheritance mode, an automated score was calculated to assess if this variant is too frequent to cause the disease. Based on the score and internal cut-off values, a variant classified as benign is not then subjected to further curation. The score for this variant resulted in a classification of benign for this disease.

Breakthrough Genomics
Classification: Benign. Review status: criteria provided, single submitter. Criteria: ACMG Guidelines, 2015. Collection method: not provided. Allele origin: germline. Inheritance: Autosomal recessive inheritance. Affected: yes.